The following continues an entry in ClinVar:

NM_000352.6(ABCC8):c.4411G>A (p.Asp1471Asn)

Gene: ABCC8. ClinVar aggregate classification (germline): Pathogenic/Likely pathogenic. Pathogenic (11); Likely pathogenic (1).

Submissions 10 to 13 of 13:

Rady Children's Institute for Genomic Medicine, Rady Children's Hospital San Diego
Classification: Pathogenic for ABCC8-related disorders. Last evaluated: 2020-08-10. Review status: criteria provided, single submitter. Criteria: ACMG Guidelines, 2015. Collection method: clinical testing. Allele origin: germline. Affected: yes.
Comment: This variant has been previously reported as a heterozygous and compound heterozygous change in patients with ABCC8-related disorders (PMID: 30352420, 24616771, 23345197, 20685672, 18988933, 17466004, 15562009, 10720932). Functional characterization of the variant demonstrated loss of ATP-sensitive potassium channel function (PMID: 30354297). It is present in the heterozygous state in the gnomAD population database at a frequency of 0.002% (4/183574) and thus is presumed to be rare. The c.4411G>A (p.Asp1471Asn) variant is predicted by multiple in silico tools to have a deleterious effect on protein function. Based on the available evidence, the c.4411G>A (p.Asp1471Asn) variant is classified as Pathogenic.

Illumina Laboratory Services, Illumina
Classification: Pathogenic for Hyperinsulinemic hypoglycemia, familial, 1. Last evaluated: 2018-11-01. Review status: criteria provided, single submitter. Criteria: ICSL Variant Classification Criteria 09 May 2019. Collection method: clinical testing. Allele origin: germline.
Comment: Across a selection of the available literature, the ABCC8 c.4411G>A (p.Asp1471Asn) missense variant, also referred to as c.4414G>A (p. Asp1472Asn), has been identified in12 individuals with hyperinsulinism, six in a compound heterozygous state and six in a heterozygous state (Giurgea et al. 2004; Henwood et al. 2005; Greer et al. 2007; Muzyamba et al. 2007; Brunetti-Pierri et al. 2008; BellannÃ©-Chantelot et al. 2009; Chandran et al. 2013; Kapoor et al. 2013; Xu et al. 2018). The p.Gly228Asp and p.Asp1471Asn variants led to intracellular retention of the channel complex and loss of function, though it is unclear if one of these variants contributed to the loss of function alone. The p.Asp1471Asn variant was absent from 548 controls and is reported at a frequency of 0.00002 in the total population of the Genome Aggregation Database. Based on the collective evidence, the p.Asp1471Asn variant is classified as pathogenic for ABCC8-related disorders. This variant was observed by ICSL as part of a predisposition screen in an ostensibly healthy population.

Women's Health and Genetics/Laboratory Corporation of America, LabCorp
Classification: Pathogenic for Familial hyperinsulinism. Last evaluated: 2016-02-17. Review status: criteria provided, single submitter. Criteria: LabCorp Variant Classification Summary - May 2015. Collection method: clinical testing. Allele origin: germline.

Counsyl
Classification: Likely pathogenic for Persistent hyperinsulinemic hypoglycemia of infancy. Last evaluated: 2014-08-21. Review status: no assertion criteria provided. Collection method: literature only. Allele origin: unknown. Inheritance: Autosomal recessive inheritance. Not counted in ClinVar's aggregate classification.

Literature cited by the submitters: PubMed 30352420 (cited by 4 submitters); PubMed 18988933 (cited by 6 submitters); PubMed 10720932 (cited by Rady Children's Institute for Genomic Medicine, Rady Children's Hospital San Diego and Counsyl); PubMed 14715863 (cited by Rady Children's Institute for Genomic Medicine, Rady Children's Hospital San Diego); PubMed 14764815 (cited by 3 submitters); PubMed 15562009 (cited by 4 submitters); PubMed 17378627 (cited by 4 submitters); PubMed 17466004 (cited by 6 submitters); PubMed 20301549 (cited by Rady Children's Institute for Genomic Medicine, Rady Children's Hospital San Diego); PubMed 20685672 (cited by 4 submitters); PubMed 21967988 (cited by Rady Children's Institute for Genomic Medicine, Rady Children's Hospital San Diego); PubMed 23345197 (cited by Rady Children's Institute for Genomic Medicine, Rady Children's Hospital San Diego and Illumina Laboratory Services, Illumina); PubMed 24616771 (cited by 3 submitters); PubMed 30186238 (cited by Rady Children's Institute for Genomic Medicine, Rady Children's Hospital San Diego); PubMed 30354297 (cited by Rady Children's Institute for Genomic Medicine, Rady Children's Hospital San Diego and Labcorp Genetics (formerly Invitae), Labcorp); PubMed 32170320 (cited by Rady Children's Institute for Genomic Medicine, Rady Children's Hospital San Diego); PubMed 20427569 (cited by Women's Health and Genetics/Laboratory Corporation of America, LabCorp); PubMed 20799350 (cited by Counsyl).